The following is an entry in ClinVar:

ClinVar aggregate classification (germline): Uncertain significance (1 of 4 stars; one submission).

Submission:

Dasa
Classification: Uncertain significance. Last evaluated: 2024-12-23. Review status: criteria provided, single submitter. Criteria: DASA Assertion Criteria. Collection method: clinical testing. Allele origin: germline.
Comment: NM_013275.6(ANKRD11):c.5210T>G (p.Phe1737Cys) is a missense variant that results in the substitution of phenylalanine with cysteine. This variant is absent from population databases. The currently available literature and clinical evidence are not sufficient to establish a definitive association between this variant and the reported condition. Therefore, this variant is classified as a variant of uncertain significance.

NM_013275.6(ANKRD11):c.5210T>G (p.Phe1737Cys)

Gene: ANKRD11 (ankyrin repeat domain 11; minus strand). Cytogenetic location: 16q24.3.
Variant type: single nucleotide variant.
Coding change: c.5210T>G on transcript NM_013275.6 (MANE Select); coding-DNA position 5210, T replaced by G.
Protein change: p.Phe1737Cys; replaces phenylalanine 1737 with cysteine.
Molecular consequence: missense variant.
Genome position (GRCh38, 1-based): chr16:89,281,332, A>C on the plus strand (T>G on the coding strand, the complement: ANKRD11 is on the minus strand). VCF-style: chr16-89281332-A-C. GRCh37 (hg19) VCF-style: chr16-89347740-A-C.
Other names: c.5210T>G, p.Phe1737Cys (NM_001256182.2, NM_001256183.2); short protein forms F1737C.
Identifiers: ClinVar variation 4883229 (VCV004883229.2).